The following is an entry in ClinVar:

ClinVar aggregate classification (germline): Uncertain significance (1 of 4 stars; one submission).

Conditions:
Cardiovascular phenotype. Identifiers: MedGen CN230736.
Hereditary cancer-predisposing syndrome. Also called: Neoplastic Syndromes, Hereditary; Tumor predisposition; Hereditary Cancer Syndrome; Hereditary neoplastic syndrome. Identifiers: Orphanet 140162, MedGen C0027672, MeSH D009386, MONDO:0015356.

Submission:

Ambry Genetics
Classification: Uncertain significance for Cardiovascular phenotype; Hereditary cancer-predisposing syndrome. Last evaluated: 2022-04-29. Review status: criteria provided, single submitter. Criteria: Ambry Variant Classification Scheme 2023. Collection method: clinical testing. Allele origin: germline.
Comment: The c.8455_8456insALU variant results from the insertion of an Alu element between nucleotides 8455 and 8456 in coding exon 57 of the NF1 gene. Mobile element insertions contribute to pathogenicity by either disrupting the coding sequence or inducing aberrant splicing (Belancio VP et al. Semin. Cancer Biol. 2010 Aug;20:200-10; Deininger P et al. Genome Biol. 2011 Dec;12:236; van der Klift HM Hum Mutat. 2012 Jul;33(7):1051-5). This insertion impacts the last coding exon of the NF1 gene and may not trigger nonsense-mediated mRNA decay; however, direct evidence is unavailable. The exact functional effect of the altered amino acid sequence is unknown. Since supporting evidence is limited at this time, the clinical significance of this alteration remains unclear.

NM_000267.3:c.8455_8456insALU

Gene: NF1 (neurofibromin 1; plus strand).
Variant type: Insertion.
Identifiers: ClinVar variation 1763443 (VCV001763443.2).